The following is an entry in ClinVar:

NM_014795.4(ZEB2):c.471T>A (p.Asp157Glu)

Gene: ZEB2 (zinc finger E-box binding homeobox 2; minus strand). Cytogenetic location: 2q22.3.
Variant type: single nucleotide variant.
Coding change: c.471T>A on transcript NM_014795.4 (MANE Select); coding-DNA position 471, T replaced by A.
Protein change: p.Asp157Glu; replaces aspartic acid 157 with glutamic acid.
Molecular consequence: missense variant.
Genome position (GRCh38, 1-based): chr2:144,404,957, A>T on the plus strand (T>A on the coding strand, the complement: ZEB2 is on the minus strand). VCF-style: chr2-144404957-A-T. GRCh37 (hg19) VCF-style: chr2-145162524-A-T.
Other names: c.399T>A, p.Asp133Glu (NM_001171653.2); c.471T>A (NM_014795.3); short protein forms D157E, D133E.
Identifiers: ClinVar variation 1365365 (VCV001365365.9), dbSNP rs775694100, ClinGen allele CA348715384.

ClinVar aggregate classification (germline): Uncertain significance. Review status: criteria provided, multiple submitters, no conflicts (2 of 4 stars). 2 submissions from 2 submitters: Uncertain significance (2). Last evaluated 2023-05-22.

Conditions:
Mowat-Wilson syndrome (MOWS). Also called: Classic Mowat-Wilson Syndrome. Identifiers: Orphanet 2152, MedGen C1856113, MONDO:0009341, OMIM 235730.

Submissions (2):

GeneDx
Classification: Uncertain significance. Last evaluated: 2023-05-22. Review status: criteria provided, single submitter. Criteria: GeneDx Variant Classification Process June 2021. Collection method: clinical testing. Allele origin: germline. Affected: yes.
Comment: Not observed at significant frequency in large population cohorts (gnomAD); In silico analysis supports that this missense variant does not alter protein structure/function; Has not been previously published as pathogenic or benign to our knowledge

Labcorp Genetics (formerly Invitae), Labcorp
Classification: Uncertain significance for Mowat-Wilson syndrome. Last evaluated: 2021-07-02. Review status: criteria provided, single submitter. Criteria: Invitae Variant Classification Sherloc (09022015). Collection method: clinical testing. Allele origin: germline.
Comment: In summary, the available evidence is currently insufficient to determine the role of this variant in disease. Therefore, it has been classified as a Variant of Uncertain Significance. Algorithms developed to predict the effect of missense changes on protein structure and function (SIFT, PolyPhen-2, Align-GVGD) all suggest that this variant is likely to be tolerated. This variant has not been reported in the literature in individuals affected with ZEB2-related conditions. This variant is not present in population databases (ExAC no frequency). This sequence change replaces aspartic acid with glutamic acid at codon 157 of the ZEB2 protein (p.Asp157Glu). The aspartic acid residue is highly conserved and there is a small physicochemical difference between aspartic acid and glutamic acid.